The following is an entry in ClinVar:

ClinVar aggregate classification (germline): Uncertain significance. Review status: criteria provided, multiple submitters, no conflicts (2 of 4 stars). 2 submissions from 2 submitters: Uncertain significance (2). Last evaluated 2025-08-15.

Conditions:
Hereditary cancer-predisposing syndrome. Also called: Neoplastic Syndromes, Hereditary; Tumor predisposition; Hereditary Cancer Syndrome; Hereditary neoplastic syndrome. Identifiers: Orphanet 140162, MedGen C0027672, MeSH D009386, MONDO:0015356.

Allele frequency attached by ClinVar (database versions not stated): gnomAD exomes below 0.00001.
gnomAD v4.1: 1 of 1,613,768 alleles (0.000062%); highest among the groups gnomAD compares: Non-Finnish European, 0.000085%; no homozygotes.

Submissions (2):

Ambry Genetics
Classification: Uncertain significance for Hereditary cancer-predisposing syndrome. Last evaluated: 2025-08-15. Review status: criteria provided, single submitter. Criteria: Ambry Variant Classification Scheme 2023. Collection method: clinical testing. Allele origin: germline.
Comment: The p.E539G variant (also known as c.1616A>G), located in coding exon 10 of the RAD50 gene, results from an A to G substitution at nucleotide position 1616. The glutamic acid at codon 539 is replaced by glycine, an amino acid with similar properties. This amino acid position is not well conserved in available vertebrate species. In addition, the in silico prediction for this alteration is inconclusive. Since supporting evidence is limited at this time, the clinical significance of this alteration remains unclear.

Labcorp Genetics (formerly Invitae), Labcorp
Classification: Uncertain significance for Hereditary cancer-predisposing syndrome. Last evaluated: 2022-07-20. Review status: criteria provided, single submitter. Criteria: Invitae Variant Classification Sherloc (09022015). Collection method: clinical testing. Allele origin: germline.
Comment: In summary, the available evidence is currently insufficient to determine the role of this variant in disease. Therefore, it has been classified as a Variant of Uncertain Significance. Algorithms developed to predict the effect of missense changes on protein structure and function (SIFT, PolyPhen-2, Align-GVGD) all suggest that this variant is likely to be tolerated. ClinVar contains an entry for this variant (Variation ID: 819668). This variant has not been reported in the literature in individuals affected with RAD50-related conditions. This variant is not present in population databases (gnomAD no frequency). This sequence change replaces glutamic acid, which is acidic and polar, with glycine, which is neutral and non-polar, at codon 539 of the RAD50 protein (p.Glu539Gly).

NM_005732.4(RAD50):c.1616A>G (p.Glu539Gly)

Gene: RAD50 (RAD50 double strand break repair protein; plus strand). Cytogenetic location: 5q31.1.
Variant type: single nucleotide variant.
Coding change: c.1616A>G on transcript NM_005732.4 (MANE Select); coding-DNA position 1616, A replaced by G.
Protein change: p.Glu539Gly; replaces glutamic acid 539 with glycine.
Molecular consequence: missense variant.
Genome position (GRCh38, 1-based): chr5:132,591,387, A>G. VCF-style: chr5-132591387-A-G. GRCh37 (hg19) VCF-style: chr5-131927079-A-G.
Other names: short protein forms E539G.
Identifiers: ClinVar variation 819668 (VCV000819668.10), dbSNP rs1580994496, ClinGen allele CA360946139.